The following is an entry in ClinVar:

ClinVar aggregate classification (germline): Uncertain significance (1 of 4 stars; one submission).

Conditions:
Combined malonic and methylmalonic acidemia. Identifiers: Orphanet 289504, MedGen C3280314, MONDO:0013661, OMIM 614265.

Submission:

Labcorp Genetics (formerly Invitae), Labcorp
Classification: Uncertain significance for Combined malonic and methylmalonic acidemia. Last evaluated: 2021-12-15. Review status: criteria provided, single submitter. Criteria: Invitae Variant Classification Sherloc (09022015). Collection method: clinical testing. Allele origin: germline.
Comment: This sequence change replaces tryptophan, which is neutral and slightly polar, with serine, which is neutral and polar, at codon 536 of the ACSF3 protein (p.Trp536Ser). This variant is present in population databases (rs779820462, gnomAD 0.009%). This variant has not been reported in the literature in individuals affected with ACSF3-related conditions. Advanced modeling of protein sequence and biophysical properties (such as structural, functional, and spatial information, amino acid conservation, physicochemical variation, residue mobility, and thermodynamic stability) performed at Invitae indicates that this missense variant is expected to disrupt ACSF3 protein function. In summary, the available evidence is currently insufficient to determine the role of this variant in disease. Therefore, it has been classified as a Variant of Uncertain Significance.

NM_001243279.3(ACSF3):c.1607G>C (p.Trp536Ser)

Gene: ACSF3 (acyl-CoA synthetase family member 3; plus strand). Cytogenetic location: 16q24.3.
Variant type: single nucleotide variant.
Coding change: c.1607G>C on transcript NM_001243279.3 (MANE Select); coding-DNA position 1607, G replaced by C.
Protein change: p.Trp536Ser; replaces tryptophan 536 with serine.
Molecular consequence: missense variant. On other transcripts: non-coding transcript variant (4).
Genome position (GRCh38, 1-based): chr16:89,146,043, G>C. VCF-style: chr16-89146043-G-C. GRCh37 (hg19) VCF-style: chr16-89212451-G-C.
Other names: c.1607G>C, p.Trp536Ser (NM_001127214.4, NM_174917.5); c.812G>C, p.Trp271Ser (NM_001284316.2); short protein forms W271S, W536S.
Identifiers: ClinVar variation 1381202 (VCV001381202.3), dbSNP rs779820462, ClinGen allele CA8238300.